The following is an entry in ClinVar:

ClinVar aggregate classification (germline): Uncertain significance. Review status: criteria provided, multiple submitters, no conflicts (2 of 4 stars). 2 submissions from 2 submitters: Uncertain significance (2). Last evaluated 2026-05-11.

Conditions:
ABCB4-related disorder. Also called: ABCB4-related disorders; ABCB4-related condition.

Allele frequency attached by ClinVar (database versions not stated): gnomAD 0.00001; gnomAD exomes 0.00002 and 0.00004; ExAC 0.00004.
gnomAD v4.1: 12 of 1,613,994 alleles (0.00074%); highest among the groups gnomAD compares: Admixed American, 0.018%; no homozygotes.

Submissions (2):

PreventionGenetics, part of Exact Sciences
Classification: Uncertain significance for ABCB4-related condition. Last evaluated: 2026-05-11. Review status: criteria provided, single submitter. Criteria: ACMG Guidelines, 2015. Collection method: clinical testing. Allele origin: germline.
Comment: The ABCB4 c.3247G>A variant is predicted to result in the amino acid substitution p.Glu1083Lys. To our knowledge, this variant has not been reported in the literature. This variant is reported in 0.026% of alleles in individuals of Latino descent in gnomAD. At this time, the clinical significance of this variant is uncertain due to the absence of conclusive functional and genetic evidence.

Eurofins Ntd Llc (ga)
Classification: Uncertain significance. Last evaluated: 2018-03-08. Review status: criteria provided, single submitter. Criteria: EGL ClinVar v180209 classification definitions. Collection method: clinical testing. Allele origin: germline. Observed: 1 variant allele, 1 heterozygote.

NM_000443.4(ABCB4):c.3247G>A (p.Glu1083Lys)

Gene: ABCB4 (ATP binding cassette subfamily B member 4; minus strand). Cytogenetic location: 7q21.12.
Variant type: single nucleotide variant.
Coding change: c.3247G>A on transcript NM_000443.4 (MANE Select); coding-DNA position 3247, G replaced by A.
Protein change: p.Glu1083Lys; replaces glutamic acid 1083 with lysine.
Molecular consequence: missense variant.
Genome position (GRCh38, 1-based): chr7:87,408,069, C>T on the plus strand (G>A on the coding strand, the complement: ABCB4 is on the minus strand). VCF-style: chr7-87408069-C-T. GRCh37 (hg19) VCF-style: chr7-87037385-C-T.
Other names: c.3247G>A (NM_000443.3); c.3247G>A, p.Glu1083Lys (NM_018849.3); c.3106G>A, p.Glu1036Lys (NM_018850.3); short protein forms E1083K, E1036K.
Identifiers: ClinVar variation 596445 (VCV000596445.6), dbSNP rs761598845, ClinGen allele CA4326824.